The following is an entry in ClinVar:

ClinVar aggregate classification (germline): Likely benign (0 of 4 stars; one submission).

Conditions:
CEP290-related disorder. Also called: CEP290-related condition; CEP290-related disorders. Identifiers: MedGen CN239314.

Submission:

PreventionGenetics, part of Exact Sciences
Classification: Likely benign for CEP290-related condition. Last evaluated: 2024-04-17. Review status: no assertion criteria provided. Collection method: clinical testing. Allele origin: germline.
Comment: This variant is classified as likely benign based on ACMG/AMP sequence variant interpretation guidelines (Richards et al. 2015 PMID: 25741868, with internal and published modifications).

NM_025114.4(CEP290):c.1910-8A>G

Gene: CEP290 (centrosomal protein 290; minus strand). Cytogenetic location: 12q21.32.
Variant type: single nucleotide variant.
Coding change: c.1910-8A>G on transcript NM_025114.4 (MANE Select); 8 bases into the intron before coding-DNA position 1910, A replaced by G.
Molecular consequence: intron variant.
Genome position (GRCh38, 1-based): chr12:88,114,570, T>C on the plus strand (A>G on the coding strand, the complement: CEP290 is on the minus strand). VCF-style: chr12-88114570-T-C. GRCh37 (hg19) VCF-style: chr12-88508347-T-C.
Identifiers: ClinVar variation 3358358 (VCV003358358.1).
Genomic context (GRCh38, chr12:88,114,570, plus strand): 5'-TATTTCTTTCATACCTTCTTCAAGTTGCTTATTTTCTTCAACTAATTCTTTTACTGTAAT[T>C]ACACAGTTTTCTCATTGGATGATCAGATCTTTTTCACAATTTACACTATGCTATACAGAT-3'